The following is an entry in ClinVar:

NM_002471.4(MYH6):c.4391A>C (p.Glu1464Ala)

Gene: MYH6 (myosin heavy chain 6; minus strand). Cytogenetic location: 14q11.2.
Variant type: single nucleotide variant.
Coding change: c.4391A>C on transcript NM_002471.4 (MANE Select); coding-DNA position 4391, A replaced by C.
Protein change: p.Glu1464Ala; replaces glutamic acid 1464 with alanine.
Molecular consequence: missense variant.
Genome position (GRCh38, 1-based): chr14:23,387,892, T>G on the plus strand (A>C on the coding strand, the complement: MYH6 is on the minus strand). VCF-style: chr14-23387892-T-G. GRCh37 (hg19) VCF-style: chr14-23857101-T-G.
Other names: short protein forms E1464A.
Identifiers: ClinVar variation 1740233 (VCV001740233.3), dbSNP rs370412856, ClinGen allele CA7114776.

ClinVar aggregate classification (germline): Uncertain significance (1 of 4 stars; one submission).

Conditions:
Cardiovascular phenotype. Identifiers: MedGen CN230736.

Allele frequency attached by ClinVar (database versions not stated): ExAC 0.00002; gnomAD 0.00007; ESP Exome Variant Server 0.00008; TOPMed 0.00009; gnomAD exomes 0.00001.
gnomAD v4.1: 13 of 1,613,920 alleles (0.00081%); highest among the groups gnomAD compares: African/African-American, 0.015%; no homozygotes.

Submission:

Ambry Genetics
Classification: Uncertain significance for Cardiovascular phenotype. Last evaluated: 2025-10-29. Review status: criteria provided, single submitter. Criteria: Ambry Variant Classification Scheme 2023. Collection method: clinical testing. Allele origin: germline.
Comment: The p.E1464A variant (also known as c.4391A>C), located in coding exon 29 of the MYH6 gene, results from an A to C substitution at nucleotide position 4391. The glutamic acid at codon 1464 is replaced by alanine, an amino acid with dissimilar properties. This amino acid position is conserved. In addition, the in silico prediction for this alteration is inconclusive. Since supporting evidence is limited at this time, the clinical significance of this alteration remains unclear.